The following is an entry in ClinVar:

ClinVar aggregate classification (germline): Conflicting classifications of pathogenicity. Review status: criteria provided, conflicting classifications (1 of 4 stars). 4 submissions from 4 submitters: Likely pathogenic (1); Uncertain significance (3). Last evaluated 2021-11-07.

Conditions:
Maple syrup urine disease (MSUD). Identifiers: Orphanet 511, MedGen C0024776, MeSH D008375, MONDO:0009563. Disease mechanism: loss of function.

Allele frequency attached by ClinVar (database versions not stated): gnomAD exomes 0.00001.
gnomAD v4.1: 8 of 1,614,210 alleles (0.0005%); highest among the groups gnomAD compares: Non-Finnish European, 0.00059%; no homozygotes.

Submissions (4):

Genome-Nilou Lab
Classification: Uncertain significance for Maple syrup urine disease type 1A. Last evaluated: 2021-11-07. Review status: criteria provided, single submitter. Criteria: ACMG Guidelines, 2015. Collection method: clinical testing. Allele origin: germline. Affected: no.

Labcorp Genetics (formerly Invitae), Labcorp
Classification: Uncertain significance for Maple syrup urine disease. Last evaluated: 2021-09-01. Review status: criteria provided, single submitter. Criteria: Invitae Variant Classification Sherloc (09022015). Collection method: clinical testing. Allele origin: germline.
Comment: This sequence change replaces alanine with valine at codon 2 of the DBT protein (p.Ala2Val). The alanine residue is moderately conserved and there is a small physicochemical difference between alanine and valine. This variant is not present in population databases (ExAC no frequency). This variant has not been reported in the literature in individuals affected with DBT-related conditions. ClinVar contains an entry for this variant (Variation ID: 94007). Algorithms developed to predict the effect of missense changes on protein structure and function are either unavailable or do not agree on the potential impact of this missense change (SIFT: "Deleterious"; PolyPhen-2: "Benign"; Align-GVGD: "Class C0"). In summary, the available evidence is currently insufficient to determine the role of this variant in disease. Therefore, it has been classified as a Variant of Uncertain Significance.

Centre for Inherited Metabolic Diseases, Karolinska University Hospital
Classification: Likely pathogenic for Maple syrup urine disease type 1A. Last evaluated: 2020-06-02. Review status: criteria provided, single submitter. Criteria: ACMG Guidelines, 2015. Collection method: clinical testing. Allele origin: germline. Inheritance: Autosomal recessive inheritance. Affected: yes. Observed: 1 compound heterozygote.

Eurofins Ntd Llc (ga)
Classification: Uncertain significance. Last evaluated: 2015-06-22. Review status: criteria provided, single submitter. Criteria: EGL Classification Definitions 2015. Collection method: clinical testing. Allele origin: germline. Observed: 1 variant allele, 1 heterozygote.

NM_001918.5(DBT):c.5C>T (p.Ala2Val)

Gene: DBT (dihydrolipoamide branched chain transacylase E2; minus strand). Cytogenetic location: 1p21.2.
Variant type: single nucleotide variant.
Coding change: c.5C>T on transcript NM_001918.5 (MANE Select); coding-DNA position 5, C replaced by T.
Protein change: p.Ala2Val; replaces alanine 2 with valine.
Molecular consequence: missense variant.
Genome position (GRCh38, 1-based): chr1:100,249,816, G>A on the plus strand (C>T on the coding strand, the complement: DBT is on the minus strand). VCF-style: chr1-100249816-G-A. GRCh37 (hg19) VCF-style: chr1-100715372-G-A.
Other names: short protein forms A2V.
Identifiers: ClinVar variation 94007 (VCV000094007.13), dbSNP rs398123672, ClinGen allele CA221896.